The following is an entry in ClinVar:

GRCh38/hg38 7p22.1(chr7:5062000-5825183)x1

Genes: ACTB (actin beta; minus strand), FBXL18 (F-box and leucine rich repeat protein 18; minus strand), FSCN1 (fascin actin-bundling protein 1; plus strand), LINC02983 (long intergenic non-protein coding RNA 2983; minus strand), LINC03073 (long intergenic non-protein coding RNA 3073; plus strand) and 69 more. Cytogenetic location: 7p22.1.
Variant type: copy number loss.
Change: copy number 1 (one copy instead of two) of chr7:5,062,000-5,825,183 (763.2 kb, GRCh38 coordinates, 1-based), cytogenetic band 7p22.1.
Identifiers: ClinVar variation 58505 (VCV000058505.1).

ClinVar aggregate classification (germline): Pathogenic (1 of 4 stars; one submission).

Submission:

ISCA site 15
Classification: Pathogenic. Last evaluated: 2011-08-12. Review status: criteria provided, single submitter. Criteria: Kaminsky et al. (Genet Med. 2011). Collection method: clinical testing. Allele origin: de novo. Affected: yes. Observed: 1 variant allele.
Comment: Copy number variation identified through the course of routine clinical cytogenomic testing in postnatal populations. Clinical assertions have been curated as described in Kaminsky et al. 2011.